The following is an entry in ClinVar:

ClinVar aggregate classification (germline): Uncertain significance (1 of 4 stars; one submission).

Submission:

Labcorp Genetics (formerly Invitae), Labcorp
Classification: Uncertain significance. Last evaluated: 2025-10-20. Review status: criteria provided, single submitter. Criteria: Invitae Variant Classification Sherloc (09022015). Collection method: clinical testing. Allele origin: germline.
Comment: This sequence change replaces aspartic acid, which is acidic and polar, with glycine, which is neutral and non-polar, at codon 139 of the COL2A1 protein (p.Asp139Gly). This variant is not present in population databases (gnomAD no frequency). This variant has not been reported in the literature in individuals affected with COL2A1-related conditions. ClinVar contains an entry for this variant (Variation ID: 1356817). Invitae Evidence Modeling of protein sequence and biophysical properties (such as structural, functional, and spatial information, amino acid conservation, physicochemical variation, residue mobility, and thermodynamic stability) indicates that this missense variant is not expected to disrupt COL2A1 protein function with a negative predictive value of 95%. In summary, the available evidence is currently insufficient to determine the role of this variant in disease. Therefore, it has been classified as a Variant of Uncertain Significance.

NM_001844.5(COL2A1):c.416A>G (p.Asp139Gly)

Gene: COL2A1 (collagen type II alpha 1 chain; minus strand). Cytogenetic location: 12q13.11.
Variant type: single nucleotide variant.
Coding change: c.416A>G on transcript NM_001844.5 (MANE Select); coding-DNA position 416, A replaced by G.
Protein change: p.Asp139Gly; replaces aspartic acid 139 with glycine.
Molecular consequence: missense variant.
Genome position (GRCh38, 1-based): chr12:47,997,884, T>C on the plus strand (A>G on the coding strand, the complement: COL2A1 is on the minus strand). VCF-style: chr12-47997884-T-C. GRCh37 (hg19) VCF-style: chr12-48391667-T-C.
Other names: c.209A>G, p.Asp70Gly (NM_033150.3); short protein forms D139G, D70G.
Identifiers: ClinVar variation 1356817 (VCV001356817.8), dbSNP rs2136627532, ClinGen allele CA384524965.